The following is an entry in ClinVar:

NM_000051.4(ATM):c.130G>C (p.Asp44His)

Gene: ATM (ATM serine/threonine kinase; plus strand). Cytogenetic location: 11q22.3.
Variant type: single nucleotide variant.
Coding change: c.130G>C on transcript NM_000051.4 (MANE Select); coding-DNA position 130, G replaced by C.
Protein change: p.Asp44His; replaces aspartic acid 44 with histidine.
Molecular consequence: missense variant.
Genome position (GRCh38, 1-based): chr11:108,227,833, G>C. VCF-style: chr11-108227833-G-C. GRCh37 (hg19) VCF-style: chr11-108098560-G-C.
Other names: c.130G>C, p.Asp44His (NM_001351834.2, NM_001351835.2, NM_001351836.2); short protein forms D44H.
Identifiers: ClinVar variation 2068305 (VCV002068305.4), dbSNP rs1320733816, ClinGen allele CA382519999.

ClinVar aggregate classification (germline): Uncertain significance (1 of 4 stars; one submission).

Conditions:
Ataxia-telangiectasia syndrome (AT). Also called: Ataxia-telangiectasia, complementation group E; Ataxia-telangiectasia; Ataxia telangiectasia (A-T); Cerebello-oculocutaneous telangiectasia; Immunodeficiency with ataxia telangiectasia; LOUIS-BAR SYNDROME. Identifiers: Orphanet 100, MedGen C0004135, MONDO:0008840, OMIM 208900.

Submission:

Labcorp Genetics (formerly Invitae), Labcorp
Classification: Uncertain significance for Ataxia-telangiectasia syndrome. Last evaluated: 2022-01-01. Review status: criteria provided, single submitter. Criteria: Invitae Variant Classification Sherloc (09022015). Collection method: clinical testing. Allele origin: germline.
Comment: In summary, the available evidence is currently insufficient to determine the role of this variant in disease. Therefore, it has been classified as a Variant of Uncertain Significance. Advanced modeling of protein sequence and biophysical properties (such as structural, functional, and spatial information, amino acid conservation, physicochemical variation, residue mobility, and thermodynamic stability) performed at Invitae indicates that this missense variant is not expected to disrupt ATM protein function. This variant has not been reported in the literature in individuals affected with ATM-related conditions. This variant is present in population databases (no rsID available, gnomAD 0.003%). This sequence change replaces aspartic acid, which is acidic and polar, with histidine, which is basic and polar, at codon 44 of the ATM protein (p.Asp44His).